The following is an entry in ClinVar:

ClinVar aggregate classification (germline): Uncertain significance. Review status: criteria provided, multiple submitters, no conflicts (2 of 4 stars). 2 submissions from 2 submitters: Uncertain significance (2). Last evaluated 2025-10-06.

Conditions:
Hereditary cancer-predisposing syndrome. Also called: Neoplastic Syndromes, Hereditary; Hereditary Cancer Syndrome; Hereditary neoplastic syndrome; Tumor predisposition. Identifiers: Orphanet 140162, MedGen C0027672, MeSH D009386, MONDO:0015356.
Neuroblastoma, susceptibility to, 3. Also called: ALK-Related Neuroblastic Tumor Susceptibility. Identifiers: Orphanet 635, MedGen C2751681, MONDO:0013083, OMIM 613014.

Allele frequency attached by ClinVar (database versions not stated): gnomAD exomes below 0.00001 and 0.00001; TOPMed 0.00001; gnomAD 0.00003 and 0.00004.
gnomAD v4.1: 21 of 1,614,032 alleles (0.0013%); highest among the groups gnomAD compares: Non-Finnish European, 0.0018%; no homozygotes.

Submissions (2):

Labcorp Genetics (formerly Invitae), Labcorp
Classification: Uncertain significance for Neuroblastoma, susceptibility to, 3. Last evaluated: 2025-10-06. Review status: criteria provided, single submitter. Criteria: Invitae Variant Classification Sherloc (09022015). Collection method: clinical testing. Allele origin: germline.
Comment: This sequence change replaces valine, which is neutral and non-polar, with alanine, which is neutral and non-polar, at codon 1541 of the ALK protein (p.Val1541Ala). The frequency data for this variant in the population databases is considered unreliable, as metrics indicate poor data quality at this position in the gnomAD database. This variant has not been reported in the literature in individuals affected with ALK-related conditions. ClinVar contains an entry for this variant (Variation ID: 825052). An algorithm developed to predict the effect of missense changes on protein structure and function outputs the following: PolyPhen-2: "Benign". The alanine amino acid residue is found in multiple mammalian species, which suggests that this missense change does not adversely affect protein function. In summary, the available evidence is currently insufficient to determine the role of this variant in disease. Therefore, it has been classified as a Variant of Uncertain Significance.

Ambry Genetics
Classification: Uncertain significance for Hereditary cancer-predisposing syndrome. Last evaluated: 2024-03-03. Review status: criteria provided, single submitter. Criteria: Ambry Variant Classification Scheme 2023. Collection method: clinical testing. Allele origin: germline.
Comment: The p.V1541A variant (also known as c.4622T>C), located in coding exon 29 of the ALK gene, results from a T to C substitution at nucleotide position 4622. The valine at codon 1541 is replaced by alanine, an amino acid with similar properties. This amino acid position is not well conserved in available vertebrate species. In addition, this alteration is predicted to be tolerated by in silico analysis. Since supporting evidence is limited at this time, the clinical significance of this alteration remains unclear.

NM_004304.5(ALK):c.4622T>C (p.Val1541Ala)

Gene: ALK (ALK receptor tyrosine kinase; minus strand). Cytogenetic location: 2p23.2.
Variant type: single nucleotide variant.
Coding change: c.4622T>C on transcript NM_004304.5 (MANE Select); coding-DNA position 4622, T replaced by C.
Protein change: p.Val1541Ala; replaces valine 1541 with alanine.
Molecular consequence: missense variant.
Genome position (GRCh38, 1-based): chr2:29,193,465, A>G on the plus strand (T>C on the coding strand, the complement: ALK is on the minus strand). VCF-style: chr2-29193465-A-G. GRCh37 (hg19) VCF-style: chr2-29416331-A-G.
Other names: c.1418T>C, p.Val473Ala (NM_001353765.2); short protein forms V473A, V1541A.
Identifiers: ClinVar variation 825052 (VCV000825052.12), dbSNP rs552439944, ClinGen allele CA44634807.